The following is an entry in ClinVar:

NM_006393.3(NEBL):c.36A>C (p.Glu12Asp)

Gene: NEBL (nebulette; minus strand). Cytogenetic location: 10p12.31.
Variant type: single nucleotide variant.
Coding change: c.36A>C on transcript NM_006393.3 (MANE Select); coding-DNA position 36, A replaced by C.
Protein change: p.Glu12Asp; replaces glutamic acid 12 with aspartic acid.
Molecular consequence: missense variant. On other transcripts: intron variant (9).
Genome position (GRCh38, 1-based): chr10:20,897,170, T>G on the plus strand (A>C on the coding strand, the complement: NEBL is on the minus strand). VCF-style: chr10-20897170-T-G. GRCh37 (hg19) VCF-style: chr10-21186099-T-G.
Other names: c.36A>C (NM_006393.2); c.249+64502A>C (NM_001377326.1, NM_001377327.1, NM_001377328.1); c.357+64502A>C (NM_213569.2, NM_001173484.2, NM_001377322.1); c.300+64502A>C (NM_001377324.1); c.291+64502A>C (NM_001377325.1); c.309+64502A>C (NM_001377323.1); short protein forms E12D.
Identifiers: ClinVar variation 1046915 (VCV001046915.12), dbSNP rs368491819, ClinGen allele CA5433411.

ClinVar aggregate classification (germline): Uncertain significance. Review status: criteria provided, multiple submitters, no conflicts (2 of 4 stars). 2 submissions from 2 submitters: Uncertain significance (2). Last evaluated 2025-12-10.

Conditions:
Primary dilated cardiomyopathy (DCM). Also called: Dilated Cardiomyopathy. Identifiers: Orphanet 217604, MedGen C0007193, MeSH D002311, MONDO:0005021, HP:0001644. Inheritance: Various modes of inheritance.

Allele frequency attached by ClinVar (database versions not stated): gnomAD 0.00001; gnomAD exomes 0.00001 and 0.00002; ExAC 0.00002; TOPMed 0.00003; ESP Exome Variant Server 0.00008.
gnomAD v4.1: 11 of 1,606,658 alleles (0.00068%); highest among the groups gnomAD compares: Non-Finnish European, 0.00094%; no homozygotes.

Submissions (2):

Ambry Genetics
Classification: Uncertain significance. Last evaluated: 2025-12-10. Review status: criteria provided, single submitter. Criteria: Ambry Variant Classification Scheme 2023. Collection method: clinical testing. Allele origin: germline.

Labcorp Genetics (formerly Invitae), Labcorp
Classification: Uncertain significance for Primary dilated cardiomyopathy. Last evaluated: 2025-02-12. Review status: criteria provided, single submitter. Criteria: Invitae Variant Classification Sherloc (09022015). Collection method: clinical testing. Allele origin: germline.
Comment: This sequence change replaces glutamic acid, which is acidic and polar, with aspartic acid, which is acidic and polar, at codon 12 of the NEBL protein (p.Glu12Asp). This variant is present in population databases (rs368491819, gnomAD 0.004%). This variant has not been reported in the literature in individuals affected with NEBL-related conditions. ClinVar contains an entry for this variant (Variation ID: 1046915). An algorithm developed to predict the effect of missense changes on protein structure and function (PolyPhen-2) suggests that this variant is likely to be tolerated. In summary, the available evidence is currently insufficient to determine the role of this variant in disease. Therefore, it has been classified as a Variant of Uncertain Significance.